The following is an entry in ClinVar:

NM_001354930.2(RIPK1):c.1471A>G (p.Arg491Gly)

Gene: RIPK1 (receptor interacting serine/threonine kinase 1; plus strand). Cytogenetic location: 6p25.2.
Variant type: single nucleotide variant.
Coding change: c.1471A>G on transcript NM_001354930.2 (MANE Select); coding-DNA position 1471, A replaced by G.
Protein change: p.Arg491Gly; replaces arginine 491 with glycine.
Molecular consequence: missense variant.
Genome position (GRCh38, 1-based): chr6:3,105,946, A>G. VCF-style: chr6-3105946-A-G. GRCh37 (hg19) VCF-style: chr6-3106180-A-G.
Other names: c.982A>G, p.Arg328Gly (NM_001317061.3, NM_001354932.2, NM_001354933.2 and 1 more transcripts); c.1333A>G, p.Arg445Gly (NM_001354931.2); c.1471A>G, p.Arg491Gly (NM_003804.6); short protein forms R445G, R328G, R491G.
Identifiers: ClinVar variation 2795285 (VCV002795285.3), dbSNP rs1760827254, ClinGen allele CA362573374.

ClinVar aggregate classification (germline): Uncertain significance (1 of 4 stars; one submission).

Allele frequency attached by ClinVar (database versions not stated): gnomAD 0.00001.
gnomAD v4.1: 1 of 1,614,020 alleles (0.000062%); highest among the groups gnomAD compares: Non-Finnish European, 0.000085%; no homozygotes.

Submission:

Labcorp Genetics (formerly Invitae), Labcorp
Classification: Uncertain significance. Last evaluated: 2024-01-03. Review status: criteria provided, single submitter. Criteria: Invitae Variant Classification Sherloc (09022015). Collection method: clinical testing. Allele origin: germline.
Comment: This sequence change replaces arginine, which is basic and polar, with glycine, which is neutral and non-polar, at codon 491 of the RIPK1 protein (p.Arg491Gly). This variant is not present in population databases (gnomAD no frequency). This variant has not been reported in the literature in individuals affected with RIPK1-related conditions. Algorithms developed to predict the effect of missense changes on protein structure and function output the following: SIFT: "Not Available"; PolyPhen-2: "Benign"; Align-GVGD: "Not Available". The glycine amino acid residue is found in multiple mammalian species, which suggests that this missense change does not adversely affect protein function. In summary, the available evidence is currently insufficient to determine the role of this variant in disease. Therefore, it has been classified as a Variant of Uncertain Significance.